The following is an entry in ClinVar:

ClinVar aggregate classification (germline): Uncertain significance (1 of 4 stars; one submission).

Conditions:
Alstrom syndrome (ALMS). Identifiers: Orphanet 64, MedGen C0268425, MONDO:0008763, OMIM 203800.

Allele frequency attached by ClinVar (database versions not stated): TOPMed below 0.00001; gnomAD exomes 0.00001.
gnomAD v4.1: 4 of 1,613,956 alleles (0.00025%); highest among the groups gnomAD compares: Admixed American, 0.0017%; no homozygotes.

Submission:

Labcorp Genetics (formerly Invitae), Labcorp
Classification: Uncertain significance for Alstrom syndrome. Last evaluated: 2021-04-02. Review status: criteria provided, single submitter. Criteria: Invitae Variant Classification Sherloc (09022015). Collection method: clinical testing. Allele origin: germline.
Comment: This sequence change replaces proline with arginine at codon 2812 of the ALMS1 protein (p.Pro2812Arg). The proline residue is weakly conserved and there is a moderate physicochemical difference between proline and arginine. This variant is not present in population databases (ExAC no frequency). This variant has not been reported in the literature in individuals with ALMS1-related conditions. Experimental studies and prediction algorithms are not available or were not evaluated, and the functional significance of this variant is currently unknown. In summary, the available evidence is currently insufficient to determine the role of this variant in disease. Therefore, it has been classified as a Variant of Uncertain Significance.

NM_001378454.1(ALMS1):c.8432C>G (p.Pro2811Arg)

Gene: ALMS1 (ALMS1 centrosome and basal body associated protein; plus strand). Cytogenetic location: 2p13.1.
Variant type: single nucleotide variant.
Coding change: c.8432C>G on transcript NM_001378454.1 (MANE Select); coding-DNA position 8432, C replaced by G.
Protein change: p.Pro2811Arg; replaces proline 2811 with arginine.
Molecular consequence: missense variant.
Genome position (GRCh38, 1-based): chr2:73,490,391, C>G. VCF-style: chr2-73490391-C-G. GRCh37 (hg19) VCF-style: chr2-73717518-C-G.
Other names: c.8435C>G, p.Pro2812Arg (NM_015120.4); short protein forms P2812R, P2811R.
Identifiers: ClinVar variation 2141652 (VCV002141652.1), dbSNP rs45595631, ClinGen allele CA347268851.